The following is an entry in ClinVar:

NM_001844.5(COL2A1):c.1043G>T (p.Gly348Val)

Gene: COL2A1 (collagen type II alpha 1 chain; minus strand). Cytogenetic location: 12q13.11.
Variant type: single nucleotide variant.
Coding change: c.1043G>T on transcript NM_001844.5 (MANE Select); coding-DNA position 1043, G replaced by T.
Protein change: p.Gly348Val; replaces glycine 348 with valine.
Molecular consequence: missense variant.
Genome position (GRCh38, 1-based): chr12:47,989,786, C>A on the plus strand (G>T on the coding strand, the complement: COL2A1 is on the minus strand). VCF-style: chr12-47989786-C-A. GRCh37 (hg19) VCF-style: chr12-48383569-C-A.
Other names: c.836G>T, p.Gly279Val (NM_033150.3); short protein forms G348V, G279V.
Identifiers: ClinVar variation 2152150 (VCV002152150.4), dbSNP rs2136590361, ClinGen allele CA384555455.

ClinVar aggregate classification (germline): Pathogenic (1 of 4 stars; one submission).

Submission:

Labcorp Genetics (formerly Invitae), Labcorp
Classification: Pathogenic. Last evaluated: 2022-01-11. Review status: criteria provided, single submitter. Criteria: Invitae Variant Classification Sherloc (09022015). Collection method: clinical testing. Allele origin: germline.
Comment: For these reasons, this variant has been classified as Pathogenic. This variant disrupts the triple helix domain of COL2A1. Glycine residues within the Gly-Xaa-Yaa repeats of the triple helix domain are required for the structure and stability of fibrillar collagens (PMID: 7695699, 8218237, 19344236). In COL2A1, variants affecting these glycine residues are significantly enriched in individuals with disease (PMID: 9016532, 17078022) compared to the general population (ExAC). This sequence change replaces glycine, which is neutral and non-polar, with valine, which is neutral and non-polar, at codon 348 of the COL2A1 protein (p.Gly348Val). This variant is not present in population databases (gnomAD no frequency). This missense change has been observed in individuals with COL2A1-related conditions (PMID: 29758562; Invitae). Advanced modeling of protein sequence and biophysical properties (such as structural, functional, and spatial information, amino acid conservation, physicochemical variation, residue mobility, and thermodynamic stability) performed at Invitae indicates that this missense variant is expected to disrupt COL2A1 protein function.

Literature cited by the submitters: PubMed 7695699; PubMed 8218237; PubMed 19344236; PubMed 9016532; PubMed 17078022; PubMed 29758562.